The following is an entry in ClinVar:

ClinVar aggregate classification (germline): not provided (0 of 4 stars; one submission).

Allele frequency attached by ClinVar (database versions not stated): gnomAD exomes below 0.00001; gnomAD 0.00001.
gnomAD v4.1: 2 of 1,612,430 alleles (0.00012%); highest among the groups gnomAD compares: African/African-American, 0.0027%; no homozygotes.

Submission:

Human Evolutionary Genetics, Institut Pasteur
No classification provided. Review status: no classification provided. Collection method: not provided. Allele origin: germline.
ClinVar note: Converted during submission from untested to not provided.

NM_001243133.2(NLRP3):c.397+42T>C

Gene: NLRP3 (NLR family pyrin domain containing 3; plus strand). Cytogenetic location: 1q44.
Variant type: single nucleotide variant.
Coding change: c.397+42T>C on transcript NM_001243133.2 (MANE Select); 42 bases into the intron after coding-DNA position 397, T replaced by C.
Molecular consequence: intron variant.
Genome position (GRCh38, 1-based): chr1:247,423,391, T>C. VCF-style: chr1-247423391-T-C. GRCh37 (hg19) VCF-style: chr1-247586693-T-C.
Other names: c.403+42T>C (NM_004895.5); c.397+42T>C (NM_001127461.3, NM_001127462.3, NM_183395.3 and 1 more transcripts).
Identifiers: ClinVar variation 103044 (VCV000103044.2), dbSNP rs199475730, ClinGen allele CA230011.
Genomic context (GRCh38, chr1:247,423,391, plus strand): 5'-ATTTGTAAAATGAAGAAAGGTAAGCGACTGGGGTGGTGCTTCTAGTTGAGTTTTAAGACC[T>C]GGTTCAGGAGGCTCTGGGAAGCTGAGCAGCTGGGTAACTTGGCCATACTATAGGTTCCTG-3'